The following is an entry in ClinVar:

ClinVar aggregate classification (germline): Benign (1 of 4 stars; one submission).

Allele frequency attached by ClinVar (database versions not stated): 1000 Genomes Project 30x 0.24766; 1000 Genomes Project 0.24800; TOPMed 0.30132; ESP Exome Variant Server 0.30836; gnomAD 0.31105 and 0.31270; ExAC 0.31989; gnomAD exomes 0.32416.

Submission:

Laboratory for Molecular Medicine, Mass General Brigham Personalized Medicine
Classification: Benign. Last evaluated: 2016-03-28. Review status: criteria provided, single submitter. Criteria: LMM Criteria. Collection method: clinical testing. Allele origin: germline.
Comment: Variant identified in a genome or exome case(s) and assessed due to predicted null impact of the variant or pathogenic assertions in the literature or databases. Disclaimer: This variant has not undergone full assessment. The following are preliminary notes: Frequency

NM_002114.4(HIVEP1):c.4559C>G (p.Ala1520Gly)

Gene: HIVEP1 (HIVEP zinc finger 1; plus strand). Cytogenetic location: 6p24.1.
Variant type: single nucleotide variant.
Coding change: c.4559C>G on transcript NM_002114.4 (MANE Select); coding-DNA position 4559, C replaced by G.
Protein change: p.Ala1520Gly; replaces alanine 1520 with glycine.
Molecular consequence: missense variant.
Genome position (GRCh38, 1-based): chr6:12,124,354, C>G. VCF-style: chr6-12124354-C-G. GRCh37 (hg19) VCF-style: chr6-12124587-C-G.
Other names: short protein forms A1520G.
Identifiers: ClinVar variation 402937 (VCV000402937.4), dbSNP rs2228212, ClinGen allele CA3637792.